The following is an entry in ClinVar:

ClinVar aggregate classification (germline): Uncertain significance (1 of 4 stars; one submission).

Conditions:
Bethlem myopathy 1A. Also called: MYOPATHY, BENIGN CONGENITAL, WITH CONTRACTURES; Bethlem myopathy 1; Bethlem Muscular Dystrophy. Identifiers: Orphanet 610, MedGen CN029274, MONDO:0024530, OMIM 158810.

Submission:

Labcorp Genetics (formerly Invitae), Labcorp
Classification: Uncertain significance for Bethlem myopathy 1A. Last evaluated: 2025-10-08. Review status: criteria provided, single submitter. Criteria: Invitae Variant Classification Sherloc (09022015). Collection method: clinical testing. Allele origin: germline.
Comment: This sequence change replaces serine, which is neutral and polar, with arginine, which is basic and polar, at codon 340 of the COL6A3 protein (p.Ser340Arg). This variant is not present in population databases (gnomAD no frequency). This variant has not been reported in the literature in individuals affected with COL6A3-related conditions. Invitae Evidence Modeling of protein sequence and biophysical properties (such as structural, functional, and spatial information, amino acid conservation, physicochemical variation, residue mobility, and thermodynamic stability) indicates that this missense variant is not expected to disrupt COL6A3 protein function with a negative predictive value of 95%. In summary, the available evidence is currently insufficient to determine the role of this variant in disease. Therefore, it has been classified as a Variant of Uncertain Significance.

NM_004369.4(COL6A3):c.1020C>G (p.Ser340Arg)

Gene: COL6A3 (collagen type VI alpha 3 chain; minus strand). Cytogenetic location: 2q37.3.
Variant type: single nucleotide variant.
Coding change: c.1020C>G on transcript NM_004369.4 (MANE Select); coding-DNA position 1020, C replaced by G.
Protein change: p.Ser340Arg; replaces serine 340 with arginine.
Molecular consequence: missense variant. On other transcripts: intron variant (2).
Genome position (GRCh38, 1-based): chr2:237,387,874, G>C on the plus strand (C>G on the coding strand, the complement: COL6A3 is on the minus strand). VCF-style: chr2-237387874-G-C. GRCh37 (hg19) VCF-style: chr2-238296517-G-C.
Other names: c.402C>G, p.Ser134Arg (NM_057165.5, NM_057167.4); c.92-6375C>G (NM_057166.5, NM_057164.5); short protein forms S134R, S340R.
Identifiers: ClinVar variation 4800379 (VCV004800379.1).
Genomic context (GRCh38, chr2:237,387,874, plus strand): 5'-GTCACTAGAAGGCCCGGCACTTATGAGGACCAGCACCTGGGGAACCCCTTCCTCCACGCG[G>C]CTGCCCCCTGCCCGGGTGAAGTGGTTCTCCACCACGAAATCAAGGGCGAGGCCGATATTG-3'
Protein context (NP_004360.2, residues 330-350): VENHFTRAGG[Ser340Arg]RVEEGVPQVL